The following is an entry in ClinVar:

NM_020822.3(KCNT1):c.2595-83C>G

Gene: KCNT1 (potassium sodium-activated channel subfamily T member 1; plus strand). Cytogenetic location: 9q34.3.
Variant type: single nucleotide variant.
Coding change: c.2595-83C>G on transcript NM_020822.3 (MANE Select); 83 bases into the intron before coding-DNA position 2595, C replaced by G.
Molecular consequence: intron variant.
Genome position (GRCh38, 1-based): chr9:135,778,605, C>G. VCF-style: chr9-135778605-C-G. GRCh37 (hg19) VCF-style: chr9-138670451-C-G.
Other names: c.2460-83C>G (NM_001272003.2).
Identifiers: ClinVar variation 677411 (VCV000677411.2), dbSNP rs112557482, ClinGen allele CA201480790.
Genomic context (GRCh38, chr9:135,778,605, plus strand): 5'-CCTCCTCTTCCAAAGTCTGGGGTGACCCCGACCGCAGGTGGGGTGGGGGGCTGAGGTCCT[C>G]CTGCCTTCTGACCAAATCCCGGGGTCCTGTGGGTGGGGAGTGGGCCGCATCCTCAGCCAC-3'

ClinVar aggregate classification (germline): Benign. Review status: criteria provided, multiple submitters, no conflicts (2 of 4 stars). 2 submissions from 2 submitters: Benign (2). Last evaluated 2018-06-16.

Allele frequency attached by ClinVar (database versions not stated): gnomAD 0.03278 and 0.03537; 1000 Genomes Project 0.03754; TOPMed 0.03909; 1000 Genomes Project 30x 0.03982.
gnomAD v4.1: 9,623 of 1,603,972 alleles (0.6%); highest among the groups gnomAD compares: African/African-American, 11%; 521 homozygotes.

Submissions (2):

GeneDx
Classification: Benign. Last evaluated: 2018-06-16. Review status: criteria provided, single submitter. Criteria: GeneDx Variant Classification (06012015). Collection method: clinical testing. Allele origin: germline. Affected: yes.
Comment: This variant is considered likely benign or benign based on one or more of the following criteria: it is a conservative change, it occurs at a poorly conserved position in the protein, it is predicted to be benign by multiple in silico algorithms, and/or has population frequency not consistent with disease.

Breakthrough Genomics
Classification: Benign. Review status: criteria provided, single submitter. Criteria: ACMG Guidelines, 2015. Collection method: not provided. Allele origin: germline. Inheritance: Autosomal dominant inheritance. Affected: yes.